The following is an entry in ClinVar:

NM_000051.4(ATM):c.4218A>T (p.Glu1406Asp)

Gene: ATM (ATM serine/threonine kinase; plus strand). Cytogenetic location: 11q22.3.
Variant type: single nucleotide variant.
Coding change: c.4218A>T on transcript NM_000051.4 (MANE Select); coding-DNA position 4218, A replaced by T.
Protein change: p.Glu1406Asp; replaces glutamic acid 1406 with aspartic acid.
Molecular consequence: missense variant.
Genome position (GRCh38, 1-based): chr11:108,289,085, A>T. VCF-style: chr11-108289085-A-T. GRCh37 (hg19) VCF-style: chr11-108159812-A-T.
Other names: c.4218A>T, p.Glu1406Asp (NM_001351834.2); short protein forms E1406D.
Identifiers: ClinVar variation 3802906 (VCV003802906.1).

ClinVar aggregate classification (germline): Uncertain significance (1 of 4 stars; one submission).

Conditions:
Hereditary cancer-predisposing syndrome. Also called: Neoplastic Syndromes, Hereditary; Hereditary Cancer Syndrome; Tumor predisposition; Hereditary neoplastic syndrome. Identifiers: Orphanet 140162, MedGen C0027672, MeSH D009386, MONDO:0015356.

Submission:

Ambry Genetics
Classification: Uncertain significance for Hereditary cancer-predisposing syndrome. Last evaluated: 2025-02-23. Review status: criteria provided, single submitter. Criteria: Ambry Variant Classification Scheme 2023. Collection method: clinical testing. Allele origin: germline.
Comment: The p.E1406D variant (also known as c.4218A>T), located in coding exon 27 of the ATM gene, results from an A to T substitution at nucleotide position 4218. The glutamic acid at codon 1406 is replaced by aspartic acid, an amino acid with highly similar properties. This amino acid position is conserved. In addition, this alteration is predicted to be tolerated by in silico analysis. Based on the available evidence, the clinical significance of this variant remains unclear.